The following is an entry in ClinVar:

ClinVar aggregate classification (germline): Conflicting classifications of pathogenicity. Review status: criteria provided, conflicting classifications (1 of 4 stars). 9 submissions from 7 submitters: Uncertain significance (2); Benign (4); Likely benign (2). 1 of the submissions does not count toward it. Last evaluated 2026-01-28.

Conditions:
Usher syndrome type 1 (USH1). Also called: RETINITIS PIGMENTOSA AND CONGENITAL DEAFNESS. Identifiers: Orphanet 231169, Orphanet 886, MedGen C1568247, MONDO:0010168, OMIM 276900.
Usher syndrome type 1B (USH1B). Also called: Usher syndrome type IB. Identifiers: MedGen C1848638, MONDO:0700087.
Autosomal dominant nonsyndromic hearing loss 11. Identifiers: Orphanet 90635, MedGen C1832475, MONDO:0011032, OMIM 601317.
Autosomal recessive nonsyndromic hearing loss 2. Also called: DEAFNESS, AUTOSOMAL RECESSIVE 2; NEUROSENSORY NONSYNDROMIC RECESSIVE DEAFNESS 2. Identifiers: Orphanet 90636, MedGen C1838701, MONDO:0010807, OMIM 600060.

Allele frequency attached by ClinVar (database versions not stated): gnomAD exomes 0.00024 and 0.00059; ExAC 0.00077; gnomAD 0.00224 and 0.00240; TOPMed 0.00244; 1000 Genomes Project 0.00260; 1000 Genomes Project 30x 0.00265; ESP Exome Variant Server 0.00329.
gnomAD v4.1: 694 of 1,613,816 alleles (0.043%); highest among the groups gnomAD compares: African/African-American, 0.85%; 5 homozygotes.

Submissions (9):

Labcorp Genetics (formerly Invitae), Labcorp
Classification: Benign. Last evaluated: 2026-01-28. Review status: criteria provided, single submitter. Criteria: Invitae Variant Classification Sherloc (09022015). Collection method: clinical testing. Allele origin: germline.

Blueprint Genetics
Classification: Likely benign. Last evaluated: 2024-10-21. Review status: criteria provided, single submitter. Criteria: ACMG Guidelines, 2015. Collection method: clinical testing. Allele origin: germline.

GeneDx
Classification: Likely benign. Last evaluated: 2020-06-30. Review status: criteria provided, single submitter. Criteria: GeneDx Variant Classification Process June 2021. Collection method: clinical testing. Allele origin: germline. Affected: yes.

Illumina Laboratory Services, Illumina
Classification: Uncertain significance for Usher syndrome type 1. Last evaluated: 2018-01-13. Review status: criteria provided, single submitter. Criteria: ICSL Variant Classification Criteria 13 December 2019. Collection method: clinical testing. Allele origin: germline.

Illumina Laboratory Services, Illumina
Classification: Benign for Autosomal dominant nonsyndromic hearing loss 11. Last evaluated: 2018-01-13. Review status: criteria provided, single submitter. Criteria: ICSL Variant Classification Criteria 13 December 2019. Collection method: clinical testing. Allele origin: germline.
Comment: This variant was observed in the ICSL laboratory as part of a predisposition screen in an ostensibly healthy population. It had not been previously curated by ICSL or reported in the Human Gene Mutation Database (HGMD: prior to June 1st, 2018), and was therefore a candidate for classification through an automated scoring system. Utilizing variant allele frequency, disease prevalence and penetrance estimates, and inheritance mode, an automated score was calculated to assess if this variant is too frequent to cause the disease. Based on the score and internal cut-off values, a variant classified as benign is not then subjected to further curation. The score for this variant resulted in a classification of benign for this disease.

Illumina Laboratory Services, Illumina
Classification: Uncertain significance for Autosomal recessive nonsyndromic hearing loss 2. Last evaluated: 2018-01-13. Review status: criteria provided, single submitter. Criteria: ICSL Variant Classification Criteria 13 December 2019. Collection method: clinical testing. Allele origin: germline.

Eurofins Ntd Llc (ga)
Classification: Benign. Last evaluated: 2015-10-01. Review status: criteria provided, single submitter. Criteria: EGL Classification Definitions 2015. Collection method: clinical testing. Allele origin: germline. Observed: 1 variant allele, 1 heterozygote.

Laboratory for Molecular Medicine, Mass General Brigham Personalized Medicine
Classification: Benign. Last evaluated: 2012-05-14. Review status: criteria provided, single submitter. Criteria: LMM Criteria. Collection method: clinical testing. Allele origin: germline. Observed: 4 variant alleles.
Comment: Thr1664Thr in Exon 36 of MYO7A: This variant is not expected to have clinical si gnificance because it does not alter an amino acid residue, is not located withi n the splice consensus sequence, and has been identified in 1.0% (36/3618) of Af rican American chromosomes from a broad population by the NHLBI Exome Sequencing Project.

Natera, Inc.
Classification: Likely benign for Usher syndrome type 1B. Last evaluated: 2019-12-04. Review status: no assertion criteria provided. Collection method: clinical testing. Allele origin: germline. Not counted in ClinVar's aggregate classification.

NM_000260.4(MYO7A):c.4992C>T (p.Thr1664=)

Gene: MYO7A (myosin VIIA; plus strand). Cytogenetic location: 11q13.5.
Variant type: single nucleotide variant.
Coding change: c.4992C>T on transcript NM_000260.4 (MANE Select); coding-DNA position 4992, C replaced by T.
Protein change: p.Thr1664=; no amino-acid change (threonine 1664 retained).
Molecular consequence: synonymous variant.
Genome position (GRCh38, 1-based): chr11:77,201,587, C>T. VCF-style: chr11-77201587-C-T. GRCh37 (hg19) VCF-style: chr11-76912632-C-T.
Other names: c.4878C>T, p.Thr1626= (NM_001127180.2); c.4845C>T, p.Thr1615= (NM_001369365.1).
Identifiers: ClinVar variation 43268 (VCV000043268.25), dbSNP rs181573957, ClinGen allele CA132365.